The following is an entry in ClinVar:

NM_001048174.2(MUTYH):c.258A>T (p.Arg86Ser)

Gene: MUTYH (mutY DNA glycosylase; minus strand). Cytogenetic location: 1p34.1.
Variant type: single nucleotide variant.
Coding change: c.258A>T on transcript NM_001048174.2 (MANE Select); coding-DNA position 258, A replaced by T.
Protein change: p.Arg86Ser; replaces arginine 86 with serine.
Molecular consequence: missense variant. On other transcripts: 5 prime UTR variant (6), non-coding transcript variant (7).
Genome position (GRCh38, 1-based): chr1:45,333,419, T>A on the plus strand (A>T on the coding strand, the complement: MUTYH is on the minus strand). VCF-style: chr1-45333419-T-A. GRCh37 (hg19) VCF-style: chr1-45799091-T-A.
Other names: c.258A>T, p.Arg86Ser (NM_001407089.1, NM_001048171.2, NM_001048173.2 and 6 more transcripts); c.-19A>T (NM_001407091.1, NM_001293192.2, NM_001293196.2); c.333A>T, p.Arg111Ser (NM_012222.3, NM_001407069.1); c.261A>T, p.Arg87Ser (NM_001048172.2, NM_001407071.1, NM_001407078.1 and 2 more transcripts); c.342A>T, p.Arg114Ser (NM_001128425.2); c.303A>T, p.Arg101Ser (NM_001293190.2); c.291A>T, p.Arg97Ser (NM_001293191.2, NM_001407077.1); c.-14A>T (NM_001350650.2, NM_001350651.2, NM_001407082.1); and 3 more; short protein forms R100S, R101S, R111S, R114S, R58S, R86S, R87S, R93S.
Identifiers: ClinVar variation 5042321 (VCV005042321.1).

ClinVar aggregate classification (germline): Likely pathogenic (1 of 4 stars; one submission).

Conditions:
Familial adenomatous polyposis 2. Also called: COLORECTAL ADENOMATOUS POLYPOSIS, AUTOSOMAL RECESSIVE; ADENOMAS, MULTIPLE COLORECTAL, AUTOSOMAL RECESSIVE; MYH-associated polyposis; FAP type 2; MUTYH-associated polyposis; MUTYH Polyposis. Identifiers: Orphanet 220460, Orphanet 247798, MedGen C3272841, MONDO:0012041, OMIM 608456.

Submission:

Myriad Genetics, Inc.
Classification: Likely pathogenic for Familial adenomatous polyposis 2. Last evaluated: 2026-08-25. Review status: criteria provided, single submitter. Criteria: Myriad Autosomal Dominant, Autosomal Recessive and X-Linked Classification Criteria (2023). Collection method: clinical testing. Allele origin: unknown.
Comment: This variant is considered likely pathogenic. Functional studies indicate this variant impacts protein function [PMID: 40738107]. This variant is expected to disrupt protein structure [Myriad internal data].

Literature cited by the submitters: PubMed 40738107.